The following is an entry in ClinVar:

NM_000565.4(IL6R):c.992T>C (p.Met331Thr)

Gene: IL6R (interleukin 6 receptor; plus strand). Cytogenetic location: 1q21.3.
Variant type: single nucleotide variant.
Coding change: c.992T>C on transcript NM_000565.4 (MANE Select); coding-DNA position 992, T replaced by C.
Protein change: p.Met331Thr; replaces methionine 331 with threonine.
Molecular consequence: missense variant.
Genome position (GRCh38, 1-based): chr1:154,448,167, T>C. VCF-style: chr1-154448167-T-C. GRCh37 (hg19) VCF-style: chr1-154420643-T-C.
Other names: c.992T>C, p.Met331Thr (NM_001382769.1, NM_181359.3); c.1085T>C, p.Met362Thr (NM_001382770.1); c.1040T>C, p.Met347Thr (NM_001382771.1, NM_001382773.1); c.986T>C, p.Met329Thr (NM_001382772.1); c.632T>C, p.Met211Thr (NM_001382774.1); c.992T>C (NM_000565.3); short protein forms M211T, M362T, M331T, M347T, M329T.
Identifiers: ClinVar variation 2167190 (VCV002167190.3), dbSNP rs1163365013, ClinGen allele CA342621954.

ClinVar aggregate classification (germline): Uncertain significance (1 of 4 stars; one submission).

Conditions:
Hyper-IgE recurrent infection syndrome 5, autosomal recessive. Also called: HYPER-IgE SYNDROME 5, AUTOSOMAL RECESSIVE, WITH RECURRENT INFECTIONS. Identifiers: MedGen C5394550, MONDO:0030069, OMIM 618944.

Allele frequency attached by ClinVar (database versions not stated): gnomAD exomes below 0.00001; TOPMed 0.00002.
gnomAD v4.1: 7 of 1,613,318 alleles (0.00043%); highest among the groups gnomAD compares: East Asian, 0.0022%; no homozygotes.

Submission:

Labcorp Genetics (formerly Invitae), Labcorp
Classification: Uncertain significance. Last evaluated: 2022-03-18. Review status: criteria provided, single submitter. Criteria: Invitae Variant Classification Sherloc (09022015). Collection method: clinical testing. Allele origin: germline.
Comment: This sequence change replaces methionine, which is neutral and non-polar, with threonine, which is neutral and polar, at codon 331 of the IL6R protein (p.Met331Thr). This variant is present in population databases (no rsID available, gnomAD 0.006%). This variant has not been reported in the literature in individuals affected with IL6R-related conditions. Algorithms developed to predict the effect of missense changes on protein structure and function output the following: SIFT: "Tolerated"; PolyPhen-2: "Benign"; Align-GVGD: "Class C0". The threonine amino acid residue is found in multiple mammalian species, which suggests that this missense change does not adversely affect protein function. In summary, the available evidence is currently insufficient to determine the role of this variant in disease. Therefore, it has been classified as a Variant of Uncertain Significance.